The following is an entry in ClinVar:

NM_198586.3(NHLRC1):c.*482C>G

Gene: NHLRC1 (NHL repeat containing E3 ubiquitin protein ligase 1; minus strand). Cytogenetic location: 6p22.3.
Variant type: single nucleotide variant.
Coding change: c.*482C>G on transcript NM_198586.3 (MANE Select); 482 bases downstream of the stop codon, C replaced by G.
Molecular consequence: 3 prime UTR variant.
Genome position (GRCh38, 1-based): chr6:18,120,937, G>C on the plus strand (C>G on the coding strand, the complement: NHLRC1 is on the minus strand). VCF-style: chr6-18120937-G-C. GRCh37 (hg19) VCF-style: chr6-18121168-G-C.
Identifiers: ClinVar variation 356064 (VCV000356064.5), dbSNP rs114713758, ClinGen allele CA10626467.
Genomic context (GRCh38, chr6:18,120,937, plus strand): 5'-ATAATAAAAATTATGGCTGAGCAAGTGGCTATGCCTGTACTCCTAGTACTTTGGGAGGCC[G>C]AGGAAGGTGGATTGCTTGAACTCAGGAGTTTGAGACCAGCCTGGGCAACATGGTGAAACC-3'

ClinVar aggregate classification (germline): Benign (1 of 4 stars; one submission).

Conditions:
Lafora disease. Also called: Epilepsy progressive myoclonic 2. Identifiers: Orphanet 501, MedGen C0751783, MONDO:0009697.

Allele frequency attached by ClinVar (database versions not stated): 1000 Genomes Project 0.02137; 1000 Genomes Project 30x 0.02358; TOPMed 0.02368.

Submission:

Illumina Laboratory Services, Illumina
Classification: Benign for Myoclonic epilepsy of Lafora 1. Last evaluated: 2018-01-12. Review status: criteria provided, single submitter. Criteria: ICSL Variant Classification Criteria 13 December 2019. Collection method: clinical testing. Allele origin: germline.
Comment: This variant was observed in the ICSL laboratory as part of a predisposition screen in an ostensibly healthy population. It had not been previously curated by ICSL or reported in the Human Gene Mutation Database (HGMD: prior to June 1st, 2018), and was therefore a candidate for classification through an automated scoring system. Utilizing variant allele frequency, disease prevalence and penetrance estimates, and inheritance mode, an automated score was calculated to assess if this variant is too frequent to cause the disease. Based on the score and internal cut-off values, a variant classified as benign is not then subjected to further curation. The score for this variant resulted in a classification of benign for this disease.